The following is an entry in ClinVar:

ClinVar aggregate classification (germline): Benign/Likely benign. Review status: criteria provided, multiple submitters, no conflicts (2 of 4 stars). 3 submissions from 3 submitters: Benign (1); Likely benign (1). 1 of the submissions does not count toward it. Last evaluated 2023-09-01.

Conditions:
PIEZO1-related disorder. Also called: PIEZO1-related condition; PIEZO1-Related Disorders.

Allele frequency attached by ClinVar (database versions not stated): gnomAD 0.00001; gnomAD exomes 0.00004.
gnomAD v4.1: 52 of 1,541,248 alleles (0.0034%); highest among the groups gnomAD compares: Non-Finnish European, 0.0044%; no homozygotes.

Submissions (3):

CeGaT Center for Human Genetics Tuebingen
Classification: Likely benign. Last evaluated: 2023-09-01. Review status: criteria provided, single submitter. Criteria: CeGaT Center For Human Genetics Tuebingen Variant Classification Criteria Version 2. Collection method: clinical testing. Allele origin: germline. Affected: yes. Observed: 1 variant allele.
Comment: PIEZO1: BP4, BP7

Labcorp Genetics (formerly Invitae), Labcorp
Classification: Benign. Last evaluated: 2022-08-25. Review status: criteria provided, single submitter. Criteria: Invitae Variant Classification Sherloc (09022015). Collection method: clinical testing. Allele origin: germline.

PreventionGenetics, part of Exact Sciences
Classification: Likely benign for PIEZO1-related condition. Last evaluated: 2022-10-04. Review status: no assertion criteria provided. Collection method: clinical testing. Allele origin: germline. Not counted in ClinVar's aggregate classification.
Comment: This variant is classified as likely benign based on ACMG/AMP sequence variant interpretation guidelines (Richards et al. 2015 PMID: 25741868, with internal and published modifications).

NM_001142864.4(PIEZO1):c.3312C>T (p.Leu1104=)

Gene: PIEZO1 (piezo type mechanosensitive ion channel component 1 (Er blood group); minus strand). Cytogenetic location: 16q24.3.
Variant type: single nucleotide variant.
Coding change: c.3312C>T on transcript NM_001142864.4 (MANE Select); coding-DNA position 3312, C replaced by T.
Protein change: p.Leu1104=; no amino-acid change (leucine 1104 retained).
Molecular consequence: synonymous variant.
Genome position (GRCh38, 1-based): chr16:88,727,182, G>A on the plus strand (C>T on the coding strand, the complement: PIEZO1 is on the minus strand). VCF-style: chr16-88727182-G-A. GRCh37 (hg19) VCF-style: chr16-88793590-G-A.
Other names: c.3312C>T (NM_001142864.3); c.1854C>T, p.Leu618= (NM_014745.1).
Identifiers: ClinVar variation 2072668 (VCV002072668.29), dbSNP rs568110389, ClinGen allele CA286414025.
Genomic context (GRCh38, chr16:88,727,182, plus strand): 5'-CCACTCCTCTGTGCGCTCAGCTGAGAACACCTGCCACTGCTGGGAGGCGCACAGCAGCAG[G>A]AGAAAGTCGCCTGCAGGACACAGGAGCCGCCGCTGTGCCACACGGGGACCCACACGAGGT-3'
Protein context (NP_001136336.2, residues 1094-1114): PNSTNLISDF[Leu1104=]LLLCASQQWQ